The following is an entry in ClinVar:

NM_006204.4(PDE6C):c.1692G>T (p.Trp564Cys)

Gene: PDE6C (phosphodiesterase 6C; plus strand). Cytogenetic location: 10q23.33.
Variant type: single nucleotide variant.
Coding change: c.1692G>T on transcript NM_006204.4 (MANE Select); coding-DNA position 1692, G replaced by T.
Protein change: p.Trp564Cys; replaces tryptophan 564 with cysteine.
Molecular consequence: missense variant.
Genome position (GRCh38, 1-based): chr10:93,640,512, G>T. VCF-style: chr10-93640512-G-T. GRCh37 (hg19) VCF-style: chr10-95400269-G-T.
Other names: short protein forms W564C.
Identifiers: ClinVar variation 2115523 (VCV002115523.4), dbSNP rs1475889625, ClinGen allele CA377618634.
Genomic context (GRCh38, chr10:93,640,512, plus strand): 5'-TCTTACCAGATGGATGTACACTGTGAGGAAAGGGTACCGAGCTGTCACTTACCACAATTG[G>T]CGGCATGGGTTCAACGTGGGGCAGACCATGTTTACTTTGCTGATGGTAGGTACAGAGGGC-3'
Protein context (NP_006195.3, residues 554-574): KGYRAVTYHN[Trp564Cys]RHGFNVGQTM

ClinVar aggregate classification (germline): Uncertain significance (1 of 4 stars; one submission).

Submission:

Labcorp Genetics (formerly Invitae), Labcorp
Classification: Uncertain significance. Last evaluated: 2023-10-03. Review status: criteria provided, single submitter. Criteria: Invitae Variant Classification Sherloc (09022015). Collection method: clinical testing. Allele origin: germline.
Comment: This sequence change replaces tryptophan, which is neutral and slightly polar, with cysteine, which is neutral and slightly polar, at codon 564 of the PDE6C protein (p.Trp564Cys). This variant is not present in population databases (gnomAD no frequency). This variant has not been reported in the literature in individuals affected with PDE6C-related conditions. ClinVar contains an entry for this variant (Variation ID: 2115523). Advanced modeling of protein sequence and biophysical properties (such as structural, functional, and spatial information, amino acid conservation, physicochemical variation, residue mobility, and thermodynamic stability) performed at Invitae indicates that this missense variant is expected to disrupt PDE6C protein function. In summary, the available evidence is currently insufficient to determine the role of this variant in disease. Therefore, it has been classified as a Variant of Uncertain Significance.